The following is an entry in ClinVar:

ClinVar aggregate classification (germline): Uncertain significance (1 of 4 stars; one submission).

Conditions:
Hereditary cancer-predisposing syndrome. Also called: Neoplastic Syndromes, Hereditary; Tumor predisposition; Hereditary Cancer Syndrome; Hereditary neoplastic syndrome. Identifiers: Orphanet 140162, MedGen C0027672, MeSH D009386, MONDO:0015356.

Submission:

Ambry Genetics
Classification: Uncertain significance for Hereditary cancer-predisposing syndrome. Last evaluated: 2025-09-25. Review status: criteria provided, single submitter. Criteria: Ambry Variant Classification Scheme 2023. Collection method: clinical testing. Allele origin: germline.
Comment: The p.L1083* variant (also known as c.3248T>A), located in coding exon 23 of the MSH3 gene, results from a T to A substitution at nucleotide position 3248. This changes the amino acid from a leucine to a stop codon within coding exon 23. This alteration occurs at the 3' terminus of the gene, is not expected to trigger nonsense-mediated mRNAdecay, and impacts the last 9.52% of the protein. The exact functional effect of this alteration is unknown. Based on the available evidence, the clinical significance of this variant remains unclear.

NM_002439.5(MSH3):c.3248T>A (p.Leu1083Ter)

Gene: MSH3 (mutS homolog 3; plus strand). Cytogenetic location: 5q14.1.
Variant type: single nucleotide variant.
Coding change: c.3248T>A on transcript NM_002439.5 (MANE Select); coding-DNA position 3248, T replaced by A.
Protein change: p.Leu1083Ter; replaces leucine 1083 with a stop codon.
Molecular consequence: nonsense.
Genome position (GRCh38, 1-based): chr5:80,873,233, T>A. VCF-style: chr5-80873233-T-A. GRCh37 (hg19) VCF-style: chr5-80169052-T-A.
Other names: short protein forms L1083*.
Identifiers: ClinVar variation 4654197 (VCV004654197.1).